The following is an entry in ClinVar:

NM_001374675.1(HSF4):c.1254+1G>T

Gene: HSF4 (heat shock transcription factor 4; plus strand). Cytogenetic location: 16q22.1.
Variant type: single nucleotide variant.
Coding change: c.1254+1G>T on transcript NM_001374675.1 (MANE Select); the canonical splice donor site of the intron after coding-DNA position 1254, G replaced by T.
Molecular consequence: splice donor variant.
Genome position (GRCh38, 1-based): chr16:67,169,102, G>T. VCF-style: chr16-67169102-G-T. GRCh37 (hg19) VCF-style: chr16-67203005-G-T.
Other names: c.1164+1G>T (NM_001538.4, NM_001374674.1); c.1254+1G>T (NM_001040667.3).
Identifiers: ClinVar variation 1697123 (VCV001697123.2), dbSNP rs531318079, ClinGen allele CA8102120.
Genomic context (GRCh38, chr16:67,169,102, plus strand): 5'-GGCCCCAGTCTCCAAGGGCGAGAATGGACCCTGATGGACTTGGACATGGAGCTGTCCTTG[G>T]TAAGAAGTGGGTCGGGGAGGGCAGAGGCCAGGGGTGGCTGAGTCAAGCCCTCTGGTCCAT-3'

ClinVar aggregate classification (germline): Likely pathogenic (1 of 4 stars; one submission).

Allele frequency attached by ClinVar (database versions not stated): gnomAD exomes below 0.00001; ExAC 0.00001.

Submission:

GeneDx
Classification: Likely pathogenic. Last evaluated: 2022-01-14. Review status: criteria provided, single submitter. Criteria: GeneDx Variant Classification Process June 2021. Collection method: clinical testing. Allele origin: germline. Affected: yes.
Comment: Canonical splice site variant expected to result in aberrant splicing, although in the absence of functional evidence the actual effect of this sequence change is unknown.; Not observed at significant frequency in large population cohorts (gnomAD); Has not been previously published as pathogenic or benign to our knowledge